The following is an entry in ClinVar:

ClinVar aggregate classification (germline): Uncertain significance (1 of 4 stars; one submission).

gnomAD v4.1: 2 of 1,614,146 alleles (0.00012%); highest among the groups gnomAD compares: South Asian, 0.0022%; no homozygotes.

Submission:

GeneDx
Classification: Uncertain significance. Last evaluated: 2026-04-11. Review status: criteria provided, single submitter. Criteria: GeneDx Variant Classification Process June 2021. Collection method: clinical testing. Allele origin: germline.
Comment: In silico analysis suggests that this missense variant does not alter protein structure/function; Has not been previously published as pathogenic or benign to our knowledge

NM_004667.6(HERC2):c.10282T>C (p.Cys3428Arg)

Gene: HERC2 (HECT and RLD domain containing E3 ubiquitin protein ligase 2; minus strand). Cytogenetic location: 15q13.1.
Variant type: single nucleotide variant.
Coding change: c.10282T>C on transcript NM_004667.6 (MANE Select); coding-DNA position 10282, T replaced by C.
Protein change: p.Cys3428Arg; replaces cysteine 3428 with arginine.
Molecular consequence: missense variant.
Genome position (GRCh38, 1-based): chr15:28,168,538, A>G on the plus strand (T>C on the coding strand, the complement: HERC2 is on the minus strand). VCF-style: chr15-28168538-A-G. GRCh37 (hg19) VCF-style: chr15-28413684-A-G.
Other names: short protein forms C3428R.
Identifiers: ClinVar variation 5018326 (VCV005018326.1).